The following is an entry in ClinVar:

NM_000553.6(WRN):c.3389T>C (p.Met1130Thr)

Gene: WRN (WRN RecQ like helicase; plus strand). Cytogenetic location: 8p12.
Variant type: single nucleotide variant.
Coding change: c.3389T>C on transcript NM_000553.6 (MANE Select); coding-DNA position 3389, T replaced by C.
Protein change: p.Met1130Thr; replaces methionine 1130 with threonine.
Molecular consequence: missense variant.
Genome position (GRCh38, 1-based): chr8:31,147,058, T>C. VCF-style: chr8-31147058-T-C. GRCh37 (hg19) VCF-style: chr8-31004574-T-C.
Other names: short protein forms M1130T.
Identifiers: ClinVar variation 528180 (VCV000528180.8), dbSNP rs774227681, ClinGen allele CA4705053.

ClinVar aggregate classification (germline): Uncertain significance. Review status: criteria provided, multiple submitters, no conflicts (2 of 4 stars). 2 submissions from 2 submitters: Uncertain significance (2). Last evaluated 2024-10-08.

Conditions:
Werner syndrome (WRN). Identifiers: Orphanet 902, MedGen C0043119, MONDO:0010196, OMIM 277700.

Allele frequency attached by ClinVar (database versions not stated): gnomAD below 0.00001 and 0.00002; gnomAD exomes 0.00013; ExAC 0.00014.

Submissions (2):

Labcorp Genetics (formerly Invitae), Labcorp
Classification: Uncertain significance for Werner syndrome. Last evaluated: 2024-10-08. Review status: criteria provided, single submitter. Criteria: Invitae Variant Classification Sherloc (09022015). Collection method: clinical testing. Allele origin: germline.
Comment: This sequence change replaces methionine, which is neutral and non-polar, with threonine, which is neutral and polar, at codon 1130 of the WRN protein (p.Met1130Thr). This variant is present in population databases (rs774227681, gnomAD 0.1%). This variant has not been reported in the literature in individuals affected with WRN-related conditions. ClinVar contains an entry for this variant (Variation ID: 528180). An algorithm developed to predict the effect of missense changes on protein structure and function outputs the following: PolyPhen-2: "Benign". The threonine amino acid residue is found in multiple mammalian species, which suggests that this missense change does not adversely affect protein function. In summary, the available evidence is currently insufficient to determine the role of this variant in disease. Therefore, it has been classified as a Variant of Uncertain Significance.

Revvity Omics, Revvity
Classification: Uncertain significance for Werner syndrome. Last evaluated: 2020-12-02. Review status: criteria provided, single submitter. Criteria: ACMG Guidelines, 2015. Collection method: clinical testing. Allele origin: germline.